The following is an entry in ClinVar:

ClinVar aggregate classification (germline): Uncertain significance (1 of 4 stars; one submission).

Conditions:
MYH2-related disorder. Also called: MYH2-related condition.

gnomAD v4.1: 1 of 1,613,936 alleles (0.000062%); highest among the groups gnomAD compares: Non-Finnish European, 0.000085%; no homozygotes.

Submission:

PreventionGenetics, part of Exact Sciences
Classification: Uncertain significance for MYH2-related condition. Last evaluated: 2023-05-16. Review status: criteria provided, single submitter. Criteria: ACMG Guidelines, 2015. Collection method: clinical testing. Allele origin: germline.
Comment: The MYH2 c.5607G>T variant is predicted to result in the amino acid substitution p.Arg1869Ser. This variant has not been reported in a large population database, indicating this variant is rare. At this time, the clinical significance of this variant is uncertain due to the absence of conclusive functional and genetic evidence.

NM_017534.6(MYH2):c.5607G>T (p.Arg1869Ser)

Genes: MYH2 (myosin heavy chain 2; minus strand), MYHAS (myosin heavy chain gene cluster antisense RNA; plus strand). Cytogenetic location: 17p13.1.
Variant type: single nucleotide variant.
Coding change: c.5607G>T on transcript NM_017534.6 (MANE Select); coding-DNA position 5607, G replaced by T.
Protein change: p.Arg1869Ser; replaces arginine 1869 with serine.
Molecular consequence: missense variant.
Genome position (GRCh38, 1-based): chr17:10,523,156, C>A on the plus strand (G>T on the coding strand, the complement: MYH2 is on the minus strand). VCF-style: chr17-10523156-C-A. GRCh37 (hg19) VCF-style: chr17-10426473-C-A.
Other names: c.5607G>T, p.Arg1869Ser (NM_001100112.2); short protein forms R1869S.
Identifiers: ClinVar variation 2632822 (VCV002632822.1), dbSNP rs370387304, ClinGen allele CA398114133.